The following is an entry in ClinVar:

ClinVar aggregate classification (germline): Uncertain significance. Review status: criteria provided, multiple submitters, no conflicts (2 of 4 stars). 2 submissions from 2 submitters: Uncertain significance (2). Last evaluated 2025-07-17.

Conditions:
RP1L1-related disorder. Also called: RP1L1-related condition.

gnomAD v4.1: 8 of 1,612,992 alleles (0.0005%); highest among the groups gnomAD compares: Non-Finnish European, 0.00059%; no homozygotes.

Submissions (2):

PreventionGenetics, part of Exact Sciences
Classification: Uncertain significance for RP1L1-related condition. Last evaluated: 2025-07-17. Review status: criteria provided, single submitter. Criteria: ACMG Guidelines, 2015. Collection method: clinical testing. Allele origin: germline.
Comment: The RP1L1 c.2873G>T variant is predicted to result in the amino acid substitution p.Arg958Leu. To our knowledge, this variant has not been reported in the literature. This variant is present in 0.0018% of alleles in individuals of European (Non-Finnish) descent in gnomAD. At this time, the clinical significance of this variant is uncertain due to the absence of conclusive functional and genetic evidence.

Blueprint Genetics
Classification: Uncertain significance. Last evaluated: 2019-03-12. Review status: criteria provided, single submitter. Criteria: ACMG Guidelines, 2015. Collection method: clinical testing. Allele origin: germline.

NM_178857.6(RP1L1):c.2873G>T (p.Arg958Leu)

Gene: RP1L1 (RP1 like 1). Cytogenetic location: 8p23.1.
Variant type: single nucleotide variant.
Coding change: c.2873G>T on transcript NM_178857.6 (MANE Select); coding-DNA position 2873, G replaced by T.
Protein change: p.Arg958Leu; replaces arginine 958 with leucine.
Molecular consequence: missense variant.
Genome position (GRCh38, 1-based): chr8:10,611,225, C>A on the plus strand (G>T on the coding strand, the complement: RP1L1 is on the minus strand). VCF-style: chr8-10611225-C-A. GRCh37 (hg19) VCF-style: chr8-10468735-C-A.
Other names: c.2873G>T (NM_178857.5); short protein forms R958L.
Identifiers: ClinVar variation 4899244 (VCV004899244.2).